The following is an entry in ClinVar:

NM_001244008.2(KIF1A):c.835G>C (p.Gly279Arg)

Gene: KIF1A (kinesin family member 1A; minus strand). Cytogenetic location: 2q37.3.
Variant type: single nucleotide variant.
Coding change: c.835G>C on transcript NM_001244008.2 (MANE Select); coding-DNA position 835, G replaced by C.
Protein change: p.Gly279Arg; replaces glycine 279 with arginine.
Molecular consequence: missense variant.
Genome position (GRCh38, 1-based): chr2:240,783,073, C>G on the plus strand (G>C on the coding strand, the complement: KIF1A is on the minus strand). VCF-style: chr2-240783073-C-G. GRCh37 (hg19) VCF-style: chr2-241722490-C-G.
Other names: c.835G>C, p.Gly279Arg (NM_001320705.2, NM_001330289.2, NM_001330290.2 and 21 more transcripts); short protein forms G279R.
Identifiers: ClinVar variation 1801064 (VCV001801064.1), dbSNP rs1473143877, ClinGen allele CA351302570.

ClinVar aggregate classification (germline): Pathogenic (1 of 4 stars; one submission).

Submission:

GeneDx
Classification: Pathogenic. Last evaluated: 2022-11-23. Review status: criteria provided, single submitter. Criteria: GeneDx Variant Classification Process June 2021. Collection method: clinical testing. Allele origin: germline. Affected: yes.
Comment: Not observed at significant frequency in large population cohorts (gnomAD); In silico analysis supports that this missense variant has a deleterious effect on protein structure/function; This variant is associated with the following publications: (PMID: 26125038, 21820098, 21376300, 33880452)